The following is an entry in ClinVar:

ClinVar aggregate classification (germline): Uncertain significance (1 of 4 stars; one submission).

Conditions:
Hereditary breast ovarian cancer syndrome. Also called: Hereditary breast and ovarian cancer syndrome; Hereditary breast and ovarian cancer syndrome (HBOC); BRCA1- and BRCA2-Associated Hereditary Breast and Ovarian Cancer; Hereditary breast and ovarian cancer; Breast and ovarian cancer; Hereditary breast and/or ovarian cancer syndrome. Identifiers: Orphanet 145, MedGen C0677776, MeSH D061325, MONDO:0003582. Disease mechanism: loss of function.

Submission:

Labcorp Genetics (formerly Invitae), Labcorp
Classification: Uncertain significance for Hereditary breast ovarian cancer syndrome. Last evaluated: 2024-07-15. Review status: criteria provided, single submitter. Criteria: Invitae Variant Classification Sherloc (09022015). Collection method: clinical testing. Allele origin: germline.
Comment: This sequence change replaces serine, which is neutral and polar, with arginine, which is basic and polar, at codon 1560 of the BRCA2 protein (p.Ser1560Arg). This variant is not present in population databases (gnomAD no frequency). This variant has not been reported in the literature in individuals affected with BRCA2-related conditions. Advanced modeling of protein sequence and biophysical properties (such as structural, functional, and spatial information, amino acid conservation, physicochemical variation, residue mobility, and thermodynamic stability) performed at Invitae indicates that this missense variant is not expected to disrupt BRCA2 protein function with a negative predictive value of 95%. In summary, the available evidence is currently insufficient to determine the role of this variant in disease. Therefore, it has been classified as a Variant of Uncertain Significance.

NM_000059.4(BRCA2):c.4680C>G (p.Ser1560Arg)

Gene: BRCA2 (BRCA2 DNA repair associated; plus strand). Cytogenetic location: 13q13.1.
Variant type: single nucleotide variant.
Coding change: c.4680C>G on transcript NM_000059.4 (MANE Select); coding-DNA position 4680, C replaced by G.
Protein change: p.Ser1560Arg; replaces serine 1560 with arginine.
Molecular consequence: missense variant. On other transcripts: non-coding transcript variant (1), intron variant (2).
Genome position (GRCh38, 1-based): chr13:32,339,035, C>G. VCF-style: chr13-32339035-C-G. GRCh37 (hg19) VCF-style: chr13-32913172-C-G.
Other names: c.4680C>G, p.Ser1560Arg (NM_001406719.1, NM_001406720.1, NM_001432077.1); c.1910-5523C>G (NM_001406721.1); c.425-5523C>G (NM_001406722.1); short protein forms S1560R.
Identifiers: ClinVar variation 3636480 (VCV003636480.1).